The following is an entry in ClinVar:

ClinVar aggregate classification (germline): Pathogenic/Likely pathogenic. Review status: criteria provided, multiple submitters, no conflicts (2 of 4 stars). 2 submissions from 2 submitters: Pathogenic (1); Likely pathogenic (1). Last evaluated 2022-08-16.

Conditions:
Muscular dystrophy-dystroglycanopathy (congenital with brain and eye anomalies), type a, 10 (MDDGA10). Also called: WALKER-WARBURG SYNDROME OR MUSCLE-EYE-BRAIN DISEASE, TMEM5-RELATED. Identifiers: Orphanet 899, MedGen C3554381, MONDO:0014022, OMIM 615041.

Submissions (2):

Labcorp Genetics (formerly Invitae), Labcorp
Classification: Pathogenic. Last evaluated: 2022-08-16. Review status: criteria provided, single submitter. Criteria: Invitae Variant Classification Sherloc (09022015). Collection method: clinical testing. Allele origin: germline.
Comment: This sequence change creates a premature translational stop signal (p.Trp130*) in the RXYLT1 gene. It is expected to result in an absent or disrupted protein product. Loss-of-function variants in RXYLT1 are known to be pathogenic (PMID: 23217329, 23519211, 31742715). This variant is not present in population databases (gnomAD no frequency). This premature translational stop signal has been observed in individual(s) with congenital muscular dystrophy-dystroglycanopathy (PMID: 31742715). ClinVar contains an entry for this variant (Variation ID: 634990). For these reasons, this variant has been classified as Pathogenic.

Diagnostics Division, CENTRE FOR DNA FINGERPRINTING AND DIAGNOSTICS
Classification: Likely pathogenic for Muscular dystrophy-dystroglycanopathy (congenital with brain and eye anomalies), type a, 10. Last evaluated: 2019-01-01. Review status: criteria provided, single submitter. Criteria: ACMG Guidelines, 2015. Collection method: research. Allele origin: germline. Affected: yes. Observed: 1 homozygote.
Comment: Nonsense variant

Literature cited by the submitters: PubMed 23217329 (cited by Labcorp Genetics (formerly Invitae), Labcorp); PubMed 23519211 (cited by Labcorp Genetics (formerly Invitae), Labcorp); PubMed 31742715 (cited by Labcorp Genetics (formerly Invitae), Labcorp).

NM_014254.3(RXYLT1):c.390G>A (p.Trp130Ter)

Gene: RXYLT1 (ribitol xylosyltransferase 1; plus strand). Cytogenetic location: 12q14.2.
Variant type: single nucleotide variant.
Coding change: c.390G>A on transcript NM_014254.3 (MANE Select); coding-DNA position 390, G replaced by A.
Protein change: p.Trp130Ter; replaces tryptophan 130 with a stop codon.
Molecular consequence: nonsense. On other transcripts: 5 prime UTR variant (1).
Genome position (GRCh38, 1-based): chr12:63,785,034, G>A. VCF-style: chr12-63785034-G-A. GRCh37 (hg19) VCF-style: chr12-64178814-G-A.
Other names: c.-391G>A (NM_001278237.2); short protein forms W130*.
Identifiers: ClinVar variation 634990 (VCV000634990.6), dbSNP rs1565899712, ClinGen allele CA385584590.